The following is an entry in ClinVar:

ClinVar aggregate classification (germline): Pathogenic (1 of 4 stars; one submission).

Conditions:
Neurofibromatosis, type 1 (NF1). Also called: Peripheral type neurofibromatosis; VON RECKLINGHAUSEN DISEASE; Neurofibromatosis, type I; NEUROFIBROMATOSIS, TYPE I, SOMATIC. Identifiers: Orphanet 636, MedGen C0027831, MONDO:0018975, OMIM 162200. Disease mechanism: loss of function.

Submission:

Labcorp Genetics (formerly Invitae), Labcorp
Classification: Pathogenic for Neurofibromatosis, type 1. Last evaluated: 2018-05-07. Review status: criteria provided, single submitter. Criteria: Invitae Variant Classification Sherloc (09022015). Collection method: clinical testing. Allele origin: germline.
Comment: For these reasons, this variant has been classified as Pathogenic. Loss-of-function variants in NF1 are known to be pathogenic (PMID: 10712197, 23913538). This variant has not been reported in the literature in individuals with NF1-related disease. This variant is not present in population databases (ExAC no frequency). This sequence change creates a premature translational stop signal (p.Lys449*) in the NF1 gene. It is expected to result in an absent or disrupted protein product.

Literature cited by the submitters: PubMed 10712197; PubMed 23913538.

NM_001042492.3(NF1):c.1344dup (p.Lys449Ter)

Gene: NF1 (neurofibromin 1; plus strand). Cytogenetic location: 17q11.2.
Variant type: Duplication.
Coding change: c.1344dup on transcript NM_001042492.3 (MANE Select); coding-DNA position 1344, one base duplicated (T; older notation c.1344dupT).
Protein change: p.Lys449Ter; replaces lysine 449 with a stop codon.
Molecular consequence: nonsense. On other transcripts: frameshift variant (1).
Genome position (GRCh38, 1-based): chr17:31,206,323, T duplicated. VCF-style (leftmost placement, unchanged base first): chr17-31206322-A-AT. GRCh37 (hg19) VCF-style: chr17-29533340-A-AT.
Other names: c.1344dupT (NM_000267.3); c.1344dup, p.Lys449Terfs (NM_000267.4); c.1344dup, p.Lys449Ter (NM_001128147.3); short protein forms K449*.
Identifiers: ClinVar variation 570222 (VCV000570222.5), dbSNP rs1567838311, ClinGen allele CA645571224.